The following is an entry in ClinVar:

ClinVar aggregate classification (germline): Uncertain significance (1 of 4 stars; one submission).

Submission:

Labcorp Genetics (formerly Invitae), Labcorp
Classification: Uncertain significance. Last evaluated: 2022-04-20. Review status: criteria provided, single submitter. Criteria: Invitae Variant Classification Sherloc (09022015). Collection method: clinical testing. Allele origin: germline.
Comment: This variant is not present in population databases (gnomAD no frequency). This sequence change replaces phenylalanine, which is neutral and non-polar, with valine, which is neutral and non-polar, at codon 1111 of the TEK protein (p.Phe1111Val). In summary, the available evidence is currently insufficient to determine the role of this variant in disease. Therefore, it has been classified as a Variant of Uncertain Significance. Algorithms developed to predict the effect of missense changes on protein structure and function (SIFT, PolyPhen-2, Align-GVGD) all suggest that this variant is likely to be disruptive. This variant has not been reported in the literature in individuals affected with TEK-related conditions.

NM_000459.5(TEK):c.3331T>G (p.Phe1111Val)

Gene: TEK (TEK receptor tyrosine kinase; plus strand). Cytogenetic location: 9p21.2.
Variant type: single nucleotide variant.
Coding change: c.3331T>G on transcript NM_000459.5 (MANE Select); coding-DNA position 3331, T replaced by G.
Protein change: p.Phe1111Val; replaces phenylalanine 1111 with valine.
Molecular consequence: missense variant.
Genome position (GRCh38, 1-based): chr9:27,229,188, T>G. VCF-style: chr9-27229188-T-G. GRCh37 (hg19) VCF-style: chr9-27229186-T-G.
Other names: c.3202T>G, p.Phe1068Val (NM_001290077.2); c.2887T>G, p.Phe963Val (NM_001290078.2); c.3328T>G, p.Phe1110Val (NM_001375475.1); c.3199T>G, p.Phe1067Val (NM_001375476.1); short protein forms F1068V, F1110V, F1111V, F1067V, F963V.
Identifiers: ClinVar variation 2128242 (VCV002128242.4), dbSNP rs2489035809, ClinGen allele CA373131366.